The following is an entry in ClinVar:

ClinVar aggregate classification (germline): Uncertain significance (1 of 4 stars; one submission).

Conditions:
Juvenile polyposis syndrome (JPS). Identifiers: Orphanet 2929, MedGen C0345893, MONDO:0017380, OMIM 174900.

Submission:

Labcorp Genetics (formerly Invitae), Labcorp
Classification: Uncertain significance for Juvenile polyposis syndrome. Last evaluated: 2022-04-02. Review status: criteria provided, single submitter. Criteria: Invitae Variant Classification Sherloc (09022015). Collection method: clinical testing. Allele origin: germline.
Comment: In summary, the available evidence is currently insufficient to determine the role of this variant in disease. Therefore, it has been classified as a Variant of Uncertain Significance. Algorithms developed to predict the effect of missense changes on protein structure and function are either unavailable or do not agree on the potential impact of this missense change (SIFT: "Deleterious"; PolyPhen-2: "Probably Damaging"; Align-GVGD: "Class C0"). This variant has not been reported in the literature in individuals affected with BMPR1A-related conditions. This variant is not present in population databases (gnomAD no frequency). This sequence change replaces serine, which is neutral and polar, with proline, which is neutral and non-polar, at codon 466 of the BMPR1A protein (p.Ser466Pro).

NM_004329.3(BMPR1A):c.1396T>C (p.Ser466Pro)

Gene: BMPR1A (bone morphogenetic protein receptor type 1A; plus strand). Cytogenetic location: 10q23.2.
Variant type: single nucleotide variant.
Coding change: c.1396T>C on transcript NM_004329.3 (MANE Select); coding-DNA position 1396, T replaced by C.
Protein change: p.Ser466Pro; replaces serine 466 with proline.
Molecular consequence: missense variant.
Genome position (GRCh38, 1-based): chr10:86,923,429, T>C. VCF-style: chr10-86923429-T-C. GRCh37 (hg19) VCF-style: chr10-88683186-T-C.
Other names: c.1396T>C, p.Ser466Pro (NM_001406580.1, NM_001406581.1, NM_001406582.1 and 19 more transcripts); c.1390T>C, p.Ser464Pro (NM_001406583.1); c.1312T>C, p.Ser438Pro (NM_001406584.1, NM_001406585.1, NM_001406586.1 and 2 more transcripts); c.1054T>C, p.Ser352Pro (NM_001406589.1); c.1471T>C, p.Ser491Pro (NM_001406559.1); c.1444T>C, p.Ser482Pro (NM_001406560.1); short protein forms S352P, S438P, S464P, S491P, S482P, S466P.
Identifiers: ClinVar variation 2120927 (VCV002120927.4), dbSNP rs2539648672, ClinGen allele CA377462881.